The following is an entry in ClinVar:

NM_017849.4(TMEM127):c.598C>A (p.Pro200Thr)

Gene: TMEM127 (transmembrane protein 127; minus strand). Cytogenetic location: 2q11.2.
Variant type: single nucleotide variant.
Coding change: c.598C>A on transcript NM_017849.4 (MANE Select); coding-DNA position 598, C replaced by A.
Protein change: p.Pro200Thr; replaces proline 200 with threonine.
Molecular consequence: missense variant.
Genome position (GRCh38, 1-based): chr2:96,253,927, G>T on the plus strand (C>A on the coding strand, the complement: TMEM127 is on the minus strand). VCF-style: chr2-96253927-G-T. GRCh37 (hg19) VCF-style: chr2-96919665-G-T.
Other names: c.598C>A, p.Pro200Thr (NM_001193304.3); short protein forms P200T.
Identifiers: ClinVar variation 405195 (VCV000405195.23), dbSNP rs200351681, ClinGen allele CA1777273.

ClinVar aggregate classification (germline): Uncertain significance. Review status: criteria provided, multiple submitters, no conflicts (2 of 4 stars). 8 submissions from 8 submitters: Uncertain significance (8). Last evaluated 2026-08-31.

Conditions:
TMEM127-related disorder. Also called: TMEM127-related condition.
Hereditary cancer-predisposing syndrome. Also called: Neoplastic Syndromes, Hereditary; Tumor predisposition; Hereditary Cancer Syndrome; Hereditary neoplastic syndrome. Identifiers: Orphanet 140162, MedGen C0027672, MeSH D009386, MONDO:0015356.
Hereditary pheochromocytoma and paraganglioma. Also called: Hereditary Paraganglioma-Pheochromocytoma Syndromes; Hereditary paragangliomas and pheochromocytomas; Hereditary pheochromocytoma-paraganglioma. Identifiers: Orphanet 29072, MedGen C4274332, MONDO:0017366.
Pheochromocytoma. Also called: MAX-Related Hereditary Paraganglioma-Pheochromocytoma Syndrome. Identifiers: Orphanet 29072, MedGen C0031511, MONDO:0008233, OMIM 171300, HP:0002666.

Allele frequency attached by ClinVar (database versions not stated): ExAC 0.00001; TOPMed 0.00004.
gnomAD v4.1: 142 of 1,613,896 alleles (0.0088%); highest among the groups gnomAD compares: Non-Finnish European, 0.011%; no homozygotes.

Submissions (8):

PreventionGenetics, part of Exact Sciences
Classification: Uncertain significance for TMEM127-related condition. Last evaluated: 2026-08-31. Review status: criteria provided, single submitter. Criteria: ACMG Guidelines, 2015. Collection method: clinical testing. Allele origin: germline.
Comment: The TMEM127 c.598C>A variant is predicted to result in the amino acid substitution p.Pro200Thr. This variant was reported in an individual with a single paraganglioma and/or pheochromocytoma (Ben Aim et al. 2019. PubMed ID: 30877234). This variant is reported in 0.0040% of alleles in individuals of African descent in gnomAD and is interpreted as uncertain in ClinVar (Variation ID: 405195). At this time, the clinical significance of this variant is uncertain due to the absence of conclusive functional and genetic evidence.

Labcorp Genetics (formerly Invitae), Labcorp
Classification: Uncertain significance for Hereditary pheochromocytoma and paraganglioma. Last evaluated: 2026-01-07. Review status: criteria provided, single submitter. Criteria: Invitae Variant Classification Sherloc (09022015). Collection method: clinical testing. Allele origin: germline.
Comment: This sequence change replaces proline, which is neutral and non-polar, with threonine, which is neutral and polar, at codon 200 of the TMEM127 protein (p.Pro200Thr). This variant is present in population databases (rs200351681, gnomAD 0.004%). This missense change has been observed in individual(s) with paraganglioma (PMID: 30877234). ClinVar contains an entry for this variant (Variation ID: 405195). An algorithm developed to predict the effect of missense changes on protein structure and function (PolyPhen-2) suggests that this variant is likely to be disruptive. In summary, the available evidence is currently insufficient to determine the role of this variant in disease. Therefore, it has been classified as a Variant of Uncertain Significance.

Ambry Genetics
Classification: Uncertain significance for Hereditary cancer-predisposing syndrome. Last evaluated: 2025-06-25. Review status: criteria provided, single submitter. Criteria: Ambry Variant Classification Scheme 2023. Collection method: clinical testing. Allele origin: germline.
Comment: The p.P200T variant (also known as c.598C>A), located in coding exon 3 of the TMEM127 gene, results from a C to A substitution at nucleotide position 598. The proline at codon 200 is replaced by threonine, an amino acid with highly similar properties. This variant has been reported in an individual diagnosed with a paraganglioma (Ben Aim L et al. J Med Genet, 2019 08;56:513-520). This amino acid position is highly conserved in available vertebrate species. In addition, this alteration is predicted to be deleterious by in silico analysis. Based on the available evidence, the clinical significance of this variant remains unclear.

St. Jude Molecular Pathology, St. Jude Children's Research Hospital
Classification: Uncertain significance for Pheochromocytoma. Last evaluated: 2025-01-08. Review status: criteria provided, single submitter. Criteria: St. Jude Assertion Criteria 2020. Collection method: clinical testing. Allele origin: germline.
Comment: The TMEM127 c.598C>A (p.Pro200Thr) missense change has a maximum subpopulation frequency of 0.004% in gnomAD v2.1.1. The in silico tool REVEL predicts a deleterious effect on protein function, but to our knowledge this prediction has not been confirmed by functional studies. This variant has been reported in an individual with a paraganglioma (PMID: 30877234). In summary, the evidence currently available is insufficient to determine the clinical significance of this variant. It has therefore been classified as of uncertain significance.

Quest Diagnostics Nichols Institute San Juan Capistrano
Classification: Uncertain significance. Last evaluated: 2024-09-09. Review status: criteria provided, single submitter. Criteria: Quest Diagnostics criteria. Collection method: clinical testing. Allele origin: unknown.
Comment: The TMEM127 c.598C>A (p.Pro200Thr) variant has been reported in the published literature in an individual with paraganglioma (PMID: 30877234 (2019)). The frequency of this variant in the general population, 0.000039 (5/129128 chromosomes (Genome Aggregation Database)), is uninformative in the assessment of its pathogenicity. Analysis of this variant using bioinformatics tools for the prediction of the effect of amino acid changes on protein structure and function yielded predictions that this variant is damaging. Based on the available information, we are unable to determine the clinical significance of this variant.

GeneDx
Classification: Uncertain significance. Last evaluated: 2024-01-31. Review status: criteria provided, single submitter. Criteria: GeneDx Variant Classification Process June 2021. Collection method: clinical testing. Allele origin: germline.
Comment: Not observed at significant frequency in large population cohorts (gnomAD); In silico analysis supports that this missense variant has a deleterious effect on protein structure/function; Observed in the germline of an individual with a benign head and neck paraganglioma (PMID: 30877234); This variant is associated with the following publications: (PMID: 30877234)

Baylor Genetics
Classification: Uncertain significance for Pheochromocytoma. Last evaluated: 2023-10-15. Review status: criteria provided, single submitter. Criteria: ACMG Guidelines, 2015. Collection method: clinical testing. Allele origin: unknown.

Department of Pathology and Laboratory Medicine, Sinai Health System
Classification: Uncertain significance for Pheochromocytoma. Last evaluated: 2023-05-09. Review status: criteria provided, single submitter. Criteria: ACMG Guidelines, 2015. Collection method: research. Allele origin: germline.

Literature cited by the submitters: PubMed 30877234 (cited by 3 submitters); PubMed 30246500 (cited by Quest Diagnostics Nichols Institute San Juan Capistrano).